The following is an entry in ClinVar:

NM_000400.4(ERCC2):c.1666-1G>A

Gene: ERCC2 (ERCC excision repair 2, TFIIH core complex helicase subunit; minus strand). Cytogenetic location: 19q13.32.
Variant type: single nucleotide variant.
Coding change: c.1666-1G>A on transcript NM_000400.4 (MANE Select); the canonical splice acceptor site of the intron before coding-DNA position 1666, G replaced by A.
Molecular consequence: splice acceptor variant.
Genome position (GRCh38, 1-based): chr19:45,353,335, C>T on the plus strand (G>A on the coding strand, the complement: ERCC2 is on the minus strand). VCF-style: chr19-45353335-C-T. GRCh37 (hg19) VCF-style: chr19-45856593-C-T.
Identifiers: ClinVar variation 3023386 (VCV003023386.5), dbSNP rs2123229638, ClinGen allele CA406364554.
Genomic context (GRCh38, chr19:45,353,335, plus strand): 5'-GGCACCATCCTGGGTCTCAATAAAGAGCAGCTTGTTCCTCTGGATGTTCTCAAGGATCCC[C>T]TGGGGAAGGACCCAGGGAGGTCAGGGTGGGTTCAGGGCACAGCCATCCTGGTTACATCCA-3'

ClinVar aggregate classification (germline): Pathogenic/Likely pathogenic. Review status: criteria provided, multiple submitters, no conflicts (2 of 4 stars). 3 submissions from 3 submitters: Pathogenic (1); Likely pathogenic (2). Last evaluated 2024-01-10.

Conditions:
Cerebrooculofacioskeletal syndrome 2 (COFS2). Identifiers: MedGen C1853102, MONDO:0012553, OMIM 610756.
Xeroderma pigmentosum, group D (XPD). Also called: XERODERMA PIGMENTOSUM, COMPLEMENTATION GROUP D; XERODERMA PIGMENTOSUM IV; XP, GROUP D; XP, GROUP H; ERCC2-Related Xeroderma Pigmentosum. Identifiers: MedGen C0268138, MONDO:0010212, OMIM 278730.
Trichothiodystrophy 1, photosensitive (TTD1). Also called: TAY SYNDROME; TRICHOTHIODYSTROPHY WITH CONGENITAL ICHTHYOSIS; PIBIDS SYNDROME. Identifiers: Orphanet 33364, MedGen C1866504, MONDO:0011125, OMIM 601675.

gnomAD v4.1: 1 of 1,612,992 alleles (0.000062%); no homozygotes.

Submissions (3):

Baylor Genetics
Classification: Pathogenic for Cerebrooculofacioskeletal syndrome 2. Last evaluated: 2024-01-10. Review status: criteria provided, single submitter. Criteria: ACMG Guidelines, 2015. Collection method: clinical testing. Allele origin: unknown.

Labcorp Genetics (formerly Invitae), Labcorp
Classification: Likely pathogenic. Last evaluated: 2023-10-28. Review status: criteria provided, single submitter. Criteria: Invitae Variant Classification Sherloc (09022015). Collection method: clinical testing. Allele origin: germline.
Comment: This sequence change affects an acceptor splice site in intron 17 of the ERCC2 gene. It is expected to disrupt RNA splicing. Variants that disrupt the donor or acceptor splice site typically lead to a loss of protein function (PMID: 16199547), and loss-of-function variants in ERCC2 are known to be pathogenic (PMID: 9238033, 11335038, 19085937, 19934020). This variant is not present in population databases (gnomAD no frequency). Disruption of this splice site has been observed in individual(s) with trichothiodystrophy (PMID: 33711971). Algorithms developed to predict the effect of sequence changes on RNA splicing suggest that this variant may disrupt the consensus splice site. In summary, the currently available evidence indicates that the variant is pathogenic, but additional data are needed to prove that conclusively. Therefore, this variant has been classified as Likely Pathogenic.

Juno Genomics, Hangzhou Juno Genomics, Inc
Classification: Likely pathogenic for Cerebrooculofacioskeletal syndrome 2; Trichothiodystrophy 1, photosensitive; Xeroderma pigmentosum, group D. Review status: criteria provided, single submitter. Criteria: ACMG Guidelines, 2015. Collection method: clinical testing. Allele origin: germline. Affected: yes.
Comment: Absent from controls (or at extremely low frequency if recessive) in Genome Aggregation Database.;Null variant in a gene where loss of function (LOF) is a known mechanism of disease.;For recessive disorders, detected in trans with a pathogenic variant.;Patient's phenotype or family history is highly specific for a disease with a single genetic etiology.

Literature cited by the submitters: PubMed 16199547 (cited by Labcorp Genetics (formerly Invitae), Labcorp); PubMed 9238033 (cited by Labcorp Genetics (formerly Invitae), Labcorp); PubMed 11335038 (cited by Labcorp Genetics (formerly Invitae), Labcorp); PubMed 19085937 (cited by Labcorp Genetics (formerly Invitae), Labcorp); PubMed 19934020 (cited by Labcorp Genetics (formerly Invitae), Labcorp); PubMed 33711971 (cited by Labcorp Genetics (formerly Invitae), Labcorp).